The following is an entry in ClinVar:

ClinVar aggregate classification (germline): Likely benign (0 of 4 stars; one submission).

Conditions:
TMEM165-related disorder. Also called: TMEM165-related condition.

Allele frequency attached by ClinVar (database versions not stated): gnomAD exomes below 0.00001.
gnomAD v4.1: 1 of 1,613,590 alleles (0.000062%); highest among the groups gnomAD compares: Non-Finnish European, 0.000085%; no homozygotes.

Submission:

PreventionGenetics, part of Exact Sciences
Classification: Likely benign for TMEM165-related condition. Last evaluated: 2020-07-02. Review status: no assertion criteria provided. Collection method: clinical testing. Allele origin: germline.
Comment: This variant is classified as likely benign based on ACMG/AMP sequence variant interpretation guidelines (Richards et al. 2015 PMID: 25741868, with internal and published modifications).

NM_018475.5(TMEM165):c.433+9G>A

Gene: TMEM165 (transmembrane protein 165; plus strand). Cytogenetic location: 4q12.
Variant type: single nucleotide variant.
Coding change: c.433+9G>A on transcript NM_018475.5 (MANE Select); 9 bases into the intron after coding-DNA position 433, G replaced by A.
Molecular consequence: intron variant.
Genome position (GRCh38, 1-based): chr4:55,411,848, G>A. VCF-style: chr4-55411848-G-A. GRCh37 (hg19) VCF-style: chr4-56278015-G-A.
Identifiers: ClinVar variation 3036781 (VCV003036781.2), dbSNP rs2545494879, ClinGen allele CA2670681244.
Genomic context (GRCh38, chr4:55,411,848, plus strand): 5'-ACCGTGCTGGCTGGTGCAATGCTTGCCTTGGGACTAATGACATGCTTGTCAGGTGAGTGT[G>A]CTTTTCCCTCTCATGAGTTCGCTGAATTAAAGGGAAAGCGTGTTGTGTGACATGGAGTCA-3'